The following is an entry in ClinVar:

NM_020297.4(ABCC9):c.3622G>A (p.Ala1208Thr)

Genes: ABCC9 (ATP binding cassette subfamily C member 9; minus strand), KCNJ8-AS1 (KCNJ8 antisense RNA 1; plus strand). Cytogenetic location: 12p12.1.
Variant type: single nucleotide variant.
Coding change: c.3622G>A on transcript NM_020297.4 (MANE Select); coding-DNA position 3622, G replaced by A.
Protein change: p.Ala1208Thr; replaces alanine 1208 with threonine.
Molecular consequence: missense variant.
Genome position (GRCh38, 1-based): chr12:21,829,005, C>T on the plus strand (G>A on the coding strand, the complement: ABCC9 is on the minus strand). VCF-style: chr12-21829005-C-T. GRCh37 (hg19) VCF-style: chr12-21981939-C-T.
Other names: c.3622G>A, p.Ala1208Thr (NM_001377273.1, NM_005691.4); c.2755G>A, p.Ala919Thr (NM_001377274.1); short protein forms A1208T, A919T.
Identifiers: ClinVar variation 2038906 (VCV002038906.4), dbSNP rs2540964166, ClinGen allele CA384140136.

ClinVar aggregate classification (germline): Uncertain significance (1 of 4 stars; one submission).

Conditions:
Dilated cardiomyopathy 1O (CMD1O). Also called: CARDIOMYOPATHY, DILATED, WITH VENTRICULAR TACHYCARDIA. Identifiers: Orphanet 154, MedGen C1837839, MONDO:0012062, OMIM 608569.

Submission:

Labcorp Genetics (formerly Invitae), Labcorp
Classification: Uncertain significance for Dilated cardiomyopathy 1O. Last evaluated: 2021-12-09. Review status: criteria provided, single submitter. Criteria: Invitae Variant Classification Sherloc (09022015). Collection method: clinical testing. Allele origin: germline.
Comment: This sequence change replaces alanine, which is neutral and non-polar, with threonine, which is neutral and polar, at codon 1208 of the ABCC9 protein (p.Ala1208Thr). This variant is not present in population databases (gnomAD no frequency). This variant has not been reported in the literature in individuals affected with ABCC9-related conditions. Algorithms developed to predict the effect of missense changes on protein structure and function are either unavailable or do not agree on the potential impact of this missense change (SIFT: "Tolerated"; PolyPhen-2: "Probably Damaging"; Align-GVGD: "Class C0"). In summary, the available evidence is currently insufficient to determine the role of this variant in disease. Therefore, it has been classified as a Variant of Uncertain Significance.